The following is an entry in ClinVar:

NM_001267550.2(TTN):c.72574G>T (p.Glu24192Ter)

Genes: TTN-AS1 (TTN antisense RNA 1; plus strand), TTN (titin; minus strand). Cytogenetic location: 2q31.2.
Variant type: single nucleotide variant.
Coding change: c.72574G>T on transcript NM_001267550.2 (MANE Select); coding-DNA position 72574, G replaced by T.
Protein change: p.Glu24192Ter; replaces glutamic acid 24192 with a stop codon.
Molecular consequence: nonsense.
Genome position (GRCh38, 1-based): chr2:178,573,558, C>A on the plus strand (G>T on the coding strand, the complement: TTN is on the minus strand). VCF-style: chr2-178573558-C-A. GRCh37 (hg19) VCF-style: chr2-179438285-C-A.
Other names: c.67651G>T, p.Glu22551Ter (NM_001256850.1); c.45379G>T, p.Glu15127Ter (NM_003319.4); c.64870G>T, p.Glu21624Ter (NM_133378.4); c.45754G>T, p.Glu15252Ter (NM_133432.3); c.45955G>T, p.Glu15319Ter (NM_133437.4); short protein forms E21624*, E24192*, E15127*, E15252*, E15319*, E22551*.
Identifiers: ClinVar variation 1488887 (VCV001488887.11), dbSNP rs2154170941, ClinGen allele CA349646542.
Genomic context (GRCh38, chr2:178,573,558, plus strand): 5'-CTGATTCCAGTGGCTCTCCCACTCCATATTTATTTACAGCCATGACACGGAATATGTATT[C>A]ATTGCCTTTCAAGAGTTTAGTGACCTTTAGCTTTGTTACTTGGACTTCTGAGGCTACATT-3'

ClinVar aggregate classification (germline): Likely pathogenic. Review status: criteria provided, multiple submitters, no conflicts (2 of 4 stars). 2 submissions from 2 submitters: Likely pathogenic (2). Last evaluated 2026-01-27.

Conditions:
Dilated cardiomyopathy 1G (CMD1G). Identifiers: Orphanet 154, MedGen C1858763, MONDO:0011400, OMIM 604145.
Autosomal recessive limb-girdle muscular dystrophy type 2J (LGMDR10). Also called: Limb-girdle muscular dystrophy, type 2J; MUSCULAR DYSTROPHY, LIMB-GIRDLE, AUTOSOMAL RECESSIVE 10. Identifiers: Orphanet 140922, MedGen C1837342, MONDO:0012127, OMIM 608807.
Cardiovascular phenotype. Identifiers: MedGen CN230736.

Submissions (2):

Labcorp Genetics (formerly Invitae), Labcorp
Classification: Likely pathogenic for Dilated cardiomyopathy 1G; Autosomal recessive limb-girdle muscular dystrophy type 2J. Last evaluated: 2026-01-27. Review status: criteria provided, single submitter. Criteria: Invitae Variant Classification Sherloc (09022015). Collection method: clinical testing. Allele origin: germline.
Comment: This sequence change creates a premature translational stop signal (p.Glu24192*) in the TTN gene. While this is not anticipated to result in nonsense mediated decay, it is expected to create a truncated TTN protein. This variant is not present in population databases (gnomAD no frequency). This variant has not been reported in the literature in individuals affected with TTN-related conditions. ClinVar contains an entry for this variant (Variation ID: 1488887). This variant is located in the A band of TTN (PMID: 25589632). Truncating variants in this region are significantly overrepresented in patients affected with dilated cardiomyopathy (PMID: 25589632). Truncating variants in this region have also been reported in individuals affected with autosomal recessive centronuclear myopathy (PMID: 23975875). In summary, the currently available evidence indicates that the variant is pathogenic, but additional data are needed to prove that conclusively. Therefore, this variant has been classified as Likely Pathogenic.

Ambry Genetics
Classification: Likely pathogenic for Cardiovascular phenotype. Last evaluated: 2024-11-16. Review status: criteria provided, single submitter. Criteria: Ambry Variant Classification Scheme 2023. Collection method: clinical testing. Allele origin: germline.
Comment: The p.E15127* variant (also known as c.45379G>T), located in coding exon 153 of the TTN gene, results from a G to T substitution at nucleotide position 45379. This changes the amino acid from a glutamic acid to a stop codon within coding exon 153. This exon is located in the A-band region of the N2-B isoform of the titin protein and is constitutively expressed in TTN transcripts (percent spliced in or PSI 100%). This variant is considered to be rare based on population cohorts in the Genome Aggregation Database (gnomAD). This alteration is expected to result in loss of function by premature protein truncation or nonsense-mediated mRNA decay. While truncating variants in TTN are present in 1-3% of the general population, truncating variants in the A-band are the most common cause of dilated cardiomyopathy (DCM) (Herman DS et al. N. Engl. J. Med., 2012 Feb;366:619-28; Roberts AM et al. Sci Transl Med, 2015 Jan;7:270ra6). TTN truncating variants encoded in constitutive exons (PSI >90%) have been found to be significantly associated with DCM regardless of their position in titin (Schafer S et al. Nat. Genet., 2017 01;49:46-53). Based on the majority of available evidence to date, this variant is likely to be pathogenic.

Literature cited by the submitters: PubMed 25589632 (cited by Labcorp Genetics (formerly Invitae), Labcorp); PubMed 23975875 (cited by Labcorp Genetics (formerly Invitae), Labcorp).